The following is an entry in ClinVar:

ClinVar aggregate classification (germline): Uncertain significance (1 of 4 stars; one submission).

Conditions:
Familial episodic pain syndrome with predominantly upper body involvement. Also called: Familial episodic pain syndrome 1. Identifiers: Orphanet 391384, Orphanet 391389, MedGen C3808667, MONDO:0014021, OMIM 615040.

Allele frequency attached by ClinVar (database versions not stated): TOPMed 0.00004; ExAC 0.00006; gnomAD 0.00006; ESP Exome Variant Server 0.00008; gnomAD exomes 0.00011.
gnomAD v4.1: 161 of 1,603,400 alleles (0.01%); highest among the groups gnomAD compares: Non-Finnish European, 0.012%; no homozygotes.

Submissions (2):

Institute of Human Genetics, University of Goettingen
Classification: Uncertain significance for Familial episodic pain syndrome with predominantly upper body involvement. Last evaluated: 2023-07-11. Review status: criteria provided, single submitter. Criteria: ACMG Guidelines, 2015. Collection method: clinical testing. Allele origin: unknown. Inheritance: Autosomal dominant inheritance. Observed: 1 heterozygote.
Comment: The variant c.2065A>G (p.(Met689Val)) in exon 18 of the TRPA1-gene is found at a very low frequency in the gnomAD database (< 0.007%), it affects a moderately conserved nucleotide and a highly conserved amino acid and there is a small physicochemical difference between Met and Val. This variant has a pathogenic computational verdict based on in silico prediction algorithms. It has been identified in a patient with pain syndrome within the scope of a sequencing study of patients showing signs of painful small fiber neuropathy (PMID: 36430572). ACMG criteria used for classification: PM2_mod, PP3.

Dr. Peter K. Rogan Lab, Western University
No classification provided (evidence only). Condition: Melanoma. Review status: no classification provided. Collection method: in vitro. Allele origin: not applicable. Functional consequence: retained intron. Not counted in ClinVar's aggregate classification.

Literature cited by the submitters: PubMed 36430572 (cited by Institute of Human Genetics, University of Goettingen).

NM_007332.3(TRPA1):c.2065A>G (p.Met689Val)

Genes: MSC-AS1 (MSC antisense RNA 1; plus strand), TRPA1 (transient receptor potential cation channel subfamily A member 1; minus strand). Cytogenetic location: 8q21.11.
Variant type: single nucleotide variant.
Coding change: c.2065A>G on transcript NM_007332.3 (MANE Select); coding-DNA position 2065, A replaced by G.
Protein change: p.Met689Val; replaces methionine 689 with valine.
Molecular consequence: missense variant.
Genome position (GRCh38, 1-based): chr8:72,039,794, T>C on the plus strand (A>G on the coding strand, the complement: TRPA1 is on the minus strand). VCF-style: chr8-72039794-T-C. GRCh37 (hg19) VCF-style: chr8-72952029-T-C.
Other names: NC_000008.10:g.72952029T>C; short protein forms M689V.
Identifiers: ClinVar variation 2571603 (VCV002571603.3), dbSNP rs201271758, ClinGen allele CA4780621.
Genomic context (GRCh38, chr8:72,039,794, plus strand): 5'-TGAGTAAATATTCTTTACACACAGGATGATTGAGAAGCTCTATGCGGTTATTTTGTACCA[T>C]TGCCTGAGAAATAAAAAAAAGTGTAATAAAAACACAATCATAATCAACTACTGAGTATAA-3'
Protein context (NP_015628.2, residues 679-699): IYEPLTALNA[Met689Val]VQNNRIELLN